The following is an entry in ClinVar:

NM_144997.7(FLCN):c.1468C>T (p.Leu490=)

Gene: FLCN (folliculin; minus strand). Cytogenetic location: 17p11.2.
Variant type: single nucleotide variant.
Coding change: c.1468C>T on transcript NM_144997.7 (MANE Select); coding-DNA position 1468, C replaced by T.
Protein change: p.Leu490=; no amino-acid change (leucine 490 retained).
Molecular consequence: synonymous variant.
Genome position (GRCh38, 1-based): chr17:17,215,055, G>A on the plus strand (C>T on the coding strand, the complement: FLCN is on the minus strand). VCF-style: chr17-17215055-G-A. GRCh37 (hg19) VCF-style: chr17-17118369-G-A.
Other names: c.1522C>T, p.Leu508= (NM_001353229.2); c.1468C>T, p.Leu490= (NM_001353230.2, NM_001353231.2).
Identifiers: ClinVar variation 3773453 (VCV003773453.1).

ClinVar aggregate classification (germline): Benign (1 of 4 stars; one submission).

Conditions:
Birt-Hogg-Dube syndrome 1 (BHD1). Also called: FIBROFOLLICULOMAS WITH TRICHODISCOMAS AND ACROCHORDONS. Identifiers: Orphanet 122, MedGen CN375946, MONDO:0800445, OMIM 135150.

gnomAD v4.1: 2 of 1,614,200 alleles (0.00012%); highest among the groups gnomAD compares: Non-Finnish European, 0.00017%; no homozygotes.

Submission:

Myriad Genetics, Inc.
Classification: Benign for Birt-Hogg-Dube syndrome 1. Last evaluated: 2024-10-25. Review status: criteria provided, single submitter. Criteria: Myriad Autosomal Dominant, Autosomal Recessive and X-Linked Classification Criteria (2023). Collection method: clinical testing. Allele origin: unknown.
Comment: This variant is considered benign. This variant is a silent/synonymous amino acid change and it is not expected to impact splicing.